The following is an entry in ClinVar:

ClinVar aggregate classification (germline): Pathogenic, low penetrance. Review status: criteria provided, single submitter (1 of 4 stars). 2 submissions from 2 submitters: Pathogenic, low penetrance (1). 1 of the submissions does not count toward it. Last evaluated 2025-09-26.

Conditions:
Atypical hemolytic-uremic syndrome. Identifiers: Orphanet 2134, MedGen C2931788, MONDO:0016244.

Submissions (2):

Genomenon, Inc
Classification: Pathogenic, low penetrance for Atypical hemolytic-uremic syndrome. Last evaluated: 2025-09-26. Review status: criteria provided, single submitter. Criteria: Genomenon Sequence Variant Interpretation Standards - Updated. Collection method: curation. Allele origin: germline. Affected: yes.
Comment: DGKE p.Trp158LeufsTer8 (c.472dup) is a frameshift variant that results in the production of a truncated protein which is predicted to undergo nonsense-mediated mRNA decay. This variant has been observed in at least one proband affected with atypical hemolytic-uremic syndrome (PMID:23542698). A de novo occurrence of this variant has been observed in at least one affected individual (PMID:23542698). It is absent or not present at a significant frequency in gnomAD. In conclusion, we classify DGKE p.Trp158LeufsTer8 (c.472dup) as a pathogenic, low penetrance variant.

Richard Lifton Laboratory, Yale University School of Medicine
Classification: Likely pathogenic for Atypical hemolytic uremic syndrome. Review status: no assertion criteria provided. Collection method: not provided. Allele origin: germline. Not counted in ClinVar's aggregate classification.
Comment: Autosomal recessive variant
ClinVar note: Converted during submission from probable-pathogenic to Likely pathogenic.

Literature cited by the submitters: PubMed 23542698 (cited by Genomenon, Inc); PubMed 24747643 (cited by Richard Lifton Laboratory, Yale University School of Medicine).

NM_003647.3(DGKE):c.472dup (p.Trp158fs)

Gene: DGKE (diacylglycerol kinase epsilon; plus strand). Cytogenetic location: 17q22.
Variant type: Duplication.
Coding change: c.472dup on transcript NM_003647.3 (MANE Select); coding-DNA position 472, one base duplicated (T; older notation c.472dupT).
Protein change: p.Trp158fs; shifts the reading frame from tryptophan 158.
Molecular consequence: frameshift variant.
Genome position (GRCh38, 1-based): chr17:56,844,026, T duplicated; the last of 3 consecutive T bases (chr17:56,844,024-56,844,026); duplicating any one gives the same sequence. VCF-style (leftmost placement, unchanged base first): chr17-56844023-A-AT. GRCh37 (hg19) VCF-style: chr17-54921384-A-AT.
Other names: short protein forms W158fs.
Identifiers: ClinVar variation 135638 (VCV000135638.3), dbSNP rs312262698, ClinGen allele CA332172.